The following is an entry in ClinVar:

NM_001242.5(CD27):c.714G>A (p.Arg238=)

Genes: CD27 (CD27 molecule; plus strand), CD27-AS1 (CD27 antisense RNA 1; minus strand). Cytogenetic location: 12p13.31.
Variant type: single nucleotide variant.
Coding change: c.714G>A on transcript NM_001242.5 (MANE Select); coding-DNA position 714, G replaced by A.
Protein change: p.Arg238=; no amino-acid change (arginine 238 retained).
Molecular consequence: synonymous variant. On other transcripts: non-coding transcript variant (1).
Genome position (GRCh38, 1-based): chr12:6,451,323, G>A. VCF-style: chr12-6451323-G-A. GRCh37 (hg19) VCF-style: chr12-6560489-G-A.
Identifiers: ClinVar variation 1082847 (VCV001082847.33), dbSNP rs770816422, ClinGen allele CA6407085.
Genomic context (GRCh38, chr12:6,451,323, plus strand): 5'-TGCAGACAAAGGAGAAAGTCCTGTGGAGCCTGCAGAGCCTTGTCATTACAGCTGCCCCAG[G>A]GAGGAGGAGGGCAGCACCATCCCCATCCAGGAGGATTACCGAAAACCGGAGCCTGCCTGC-3'
Protein context (NP_001233.2, residues 228-248): PAEPCHYSCP[Arg238=]EEEGSTIPIQ

ClinVar aggregate classification (germline): Likely benign. Review status: criteria provided, multiple submitters, no conflicts (2 of 4 stars). 2 submissions from 2 submitters: Likely benign (2). Last evaluated 2025-12-15.

Conditions:
Lymphoproliferative syndrome 2 (LPFS2). Also called: Combined immunodeficiency due to CD27 deficiency; CD27 DEFICIENCY. Identifiers: Orphanet 238505, MedGen C3554540, MONDO:0014054, OMIM 615122.

Allele frequency attached by ClinVar (database versions not stated): ExAC 0.00005; TOPMed 0.00007; gnomAD 0.00008 and 0.00009.
gnomAD v4.1: 273 of 1,613,238 alleles (0.017%); highest among the groups gnomAD compares: Non-Finnish European, 0.022%; no homozygotes.

Submissions (2):

Labcorp Genetics (formerly Invitae), Labcorp
Classification: Likely benign for Lymphoproliferative syndrome 2. Last evaluated: 2025-12-15. Review status: criteria provided, single submitter. Criteria: Invitae Variant Classification Sherloc (09022015). Collection method: clinical testing. Allele origin: germline.

CeGaT Center for Human Genetics Tuebingen
Classification: Likely benign. Last evaluated: 2022-06-01. Review status: criteria provided, single submitter. Criteria: CeGaT Center For Human Genetics Tuebingen Variant Classification Criteria Version 2. Collection method: clinical testing. Allele origin: germline. Affected: yes. Observed: 1 variant allele.
Comment: CD27: BP4, BP7